The following is an entry in ClinVar:

NM_145698.5(ACBD5):c.1147C>T (p.His383Tyr)

Gene: ACBD5 (acyl-CoA binding domain containing 5; minus strand). Cytogenetic location: 10p12.1.
Variant type: single nucleotide variant.
Coding change: c.1147C>T on transcript NM_145698.5 (MANE Select); coding-DNA position 1147, C replaced by T.
Protein change: p.His383Tyr; replaces histidine 383 with tyrosine.
Molecular consequence: missense variant.
Genome position (GRCh38, 1-based): chr10:27,210,871, G>A on the plus strand (C>T on the coding strand, the complement: ACBD5 is on the minus strand). VCF-style: chr10-27210871-G-A. GRCh37 (hg19) VCF-style: chr10-27499800-G-A.
Other names: c.1042C>T, p.His348Tyr (NM_001042473.4, NM_001352577.2, NM_001352578.2 and 1 more transcripts); c.1141C>T, p.His381Tyr (NM_001271512.3); c.820C>T, p.His274Tyr (NM_001301251.2, NM_001301252.2, NM_001301253.2 and 2 more transcripts); c.616C>T, p.His206Tyr (NM_001301254.2); c.1201C>T, p.His401Tyr (NM_001352568.1); c.1180C>T, p.His394Tyr (NM_001352569.1); c.1147C>T, p.His383Tyr (NM_001352570.1); c.1174C>T, p.His392Tyr (NM_001352571.1); and 10 more; short protein forms H359Y, H376Y, H383Y, H390Y, H394Y, H206Y, H280Y, H313Y.
Identifiers: ClinVar variation 1380994 (VCV001380994.6), dbSNP rs2061001462, ClinGen allele CA376373786.

ClinVar aggregate classification (germline): Uncertain significance (1 of 4 stars; one submission).

Allele frequency attached by ClinVar (database versions not stated): gnomAD exomes below 0.00001; TOPMed below 0.00001; gnomAD 0.00001.
gnomAD v4.1: 2 of 1,614,106 alleles (0.00012%); highest among the groups gnomAD compares: Non-Finnish European, 0.00017%; no homozygotes.

Submission:

Labcorp Genetics (formerly Invitae), Labcorp
Classification: Uncertain significance. Last evaluated: 2021-11-21. Review status: criteria provided, single submitter. Criteria: Invitae Variant Classification Sherloc (09022015). Collection method: clinical testing. Allele origin: germline.
Comment: In summary, the available evidence is currently insufficient to determine the role of this variant in disease. Therefore, it has been classified as a Variant of Uncertain Significance. Algorithms developed to predict the effect of missense changes on protein structure and function are either unavailable or do not agree on the potential impact of this missense change (SIFT: "Deleterious"; PolyPhen-2: "Possibly Damaging"; Align-GVGD: "Class C0"). This variant has not been reported in the literature in individuals affected with ACBD5-related conditions. This variant is not present in population databases (gnomAD no frequency). This sequence change replaces histidine, which is basic and polar, with tyrosine, which is neutral and polar, at codon 383 of the ACBD5 protein (p.His383Tyr).